The following is an entry in ClinVar:

NM_021969.3(NR0B2):c.303C>T (p.Ala101=)

Genes: NR0B2 (nuclear receptor subfamily 0 group B member 2; minus strand), NUDC (nuclear distribution C, dynein complex regulator; plus strand). Cytogenetic location: 1p36.11.
Variant type: single nucleotide variant.
Coding change: c.303C>T on transcript NM_021969.3 (MANE Select); coding-DNA position 303, C replaced by T.
Protein change: p.Ala101=; no amino-acid change (alanine 101 retained).
Molecular consequence: synonymous variant.
Genome position (GRCh38, 1-based): chr1:26,913,638, G>A on the plus strand (C>T on the coding strand, the complement: NR0B2 is on the minus strand). VCF-style: chr1-26913638-G-A. GRCh37 (hg19) VCF-style: chr1-27240129-G-A.
Identifiers: ClinVar variation 3032173 (VCV003032173.2), dbSNP rs774062559, ClinGen allele CA709678.

ClinVar aggregate classification (germline): Likely benign (0 of 4 stars; one submission).

Conditions:
NR0B2-related disorder. Also called: NR0B2-related condition.

Allele frequency attached by ClinVar (database versions not stated): ExAC 0.00001; TOPMed 0.00001; gnomAD exomes 0.00002.
gnomAD v4.1: 25 of 1,613,970 alleles (0.0015%); highest among the groups gnomAD compares: Non-Finnish European, 0.0021%; no homozygotes.

Submission:

PreventionGenetics, part of Exact Sciences
Classification: Likely benign for NR0B2-related condition. Last evaluated: 2023-04-28. Review status: no assertion criteria provided. Collection method: clinical testing. Allele origin: germline.
Comment: This variant is classified as likely benign based on ACMG/AMP sequence variant interpretation guidelines (Richards et al. 2015 PMID: 25741868, with internal and published modifications).